The following is an entry in ClinVar:

ClinVar aggregate classification (germline): Uncertain significance (1 of 4 stars; one submission).

gnomAD v4.1: 25 of 1,614,016 alleles (0.0015%); highest among the groups gnomAD compares: South Asian, 0.024%; 1 homozygote.

Submission:

Labcorp Genetics (formerly Invitae), Labcorp
Classification: Uncertain significance. Last evaluated: 2024-03-07. Review status: criteria provided, single submitter. Criteria: Invitae Variant Classification Sherloc (09022015). Collection method: clinical testing. Allele origin: germline.
Comment: This sequence change replaces methionine, which is neutral and non-polar, with valine, which is neutral and non-polar, at codon 21 of the PGAP2 protein (p.Met21Val). This variant is present in population databases (rs551501269, gnomAD 0.03%). This variant has not been reported in the literature in individuals affected with PGAP2-related conditions. Advanced modeling of protein sequence and biophysical properties (such as structural, functional, and spatial information, amino acid conservation, physicochemical variation, residue mobility, and thermodynamic stability) performed at Invitae indicates that this missense variant is not expected to disrupt PGAP2 protein function with a negative predictive value of 80%. In summary, the available evidence is currently insufficient to determine the role of this variant in disease. Therefore, it has been classified as a Variant of Uncertain Significance.

NM_014489.4(PGAP2):c.61A>G (p.Met21Val)

Gene: PGAP2 (post-GPI attachment to proteins 2; plus strand). Cytogenetic location: 11p15.4.
Variant type: single nucleotide variant.
Coding change: c.61A>G on transcript NM_014489.4 (MANE Select); coding-DNA position 61, A replaced by G.
Protein change: p.Met21Val; replaces methionine 21 with valine.
Molecular consequence: missense variant. On other transcripts: synonymous variant (2), 5 prime UTR variant (2), non-coding transcript variant (5), intron variant (2).
Genome position (GRCh38, 1-based): chr11:3,811,320, A>G. VCF-style: chr11-3811320-A-G. GRCh37 (hg19) VCF-style: chr11-3832550-A-G.
Other names: c.61A>G, p.Met21Val (NM_001145438.3, NM_001256236.2, NM_001256237.2 and 9 more transcripts); c.30A>G, p.Pro10= (NM_001256235.2); c.214A>G, p.Met72Val (NM_001346397.2); c.-143A>G (NM_001346399.2, NM_001346401.2); c.96A>G, p.Pro32= (NM_001346402.2); c.161+3005A>G (NM_001283040.1); c.-41+3005A>G (NM_001283039.2); short protein forms M21V, M72V, M78V.
Identifiers: ClinVar variation 3697084 (VCV003697084.1).